The following is an entry in ClinVar:

NM_001163809.2(WDR81):c.1606G>A (p.Glu536Lys)

Gene: WDR81 (WD repeat domain 81; plus strand). Cytogenetic location: 17p13.3.
Variant type: single nucleotide variant.
Coding change: c.1606G>A on transcript NM_001163809.2 (MANE Select); coding-DNA position 1606, G replaced by A.
Protein change: p.Glu536Lys; replaces glutamic acid 536 with lysine.
Molecular consequence: missense variant. On other transcripts: intron variant (3).
Genome position (GRCh38, 1-based): chr17:1,726,565, G>A. VCF-style: chr17-1726565-G-A. GRCh37 (hg19) VCF-style: chr17-1629859-G-A.
Other names: c.-123-1425G>A (NM_152348.4); c.59-3815G>A (NM_001163673.2); c.-15+1779G>A (NM_001163811.2); short protein forms E536K.
Identifiers: ClinVar variation 3054853 (VCV003054853.2), dbSNP rs1217288122, ClinGen allele CA397588740.
Genomic context (GRCh38, chr17:1,726,565, plus strand): 5'-GCCTGGTGCAGCTCCAGCCAGGAGTTCGTAGCTGCCCACCGAGCCCTGCTGGAGAGCCGC[G>A]AGGTATCCCGGGACCTGCACCATTGGATCGACCTCACGTTTGGCTATAAACTCCAGGGTA-3'
Protein context (NP_001157281.1, residues 526-546): AAHRALLESR[Glu536Lys]VSRDLHHWID

ClinVar aggregate classification (germline): Uncertain significance (0 of 4 stars; one submission).

Conditions:
WDR81-related disorder. Also called: WDR81-related condition.

Allele frequency attached by ClinVar (database versions not stated): gnomAD exomes below 0.00001; TOPMed below 0.00001.

Submission:

PreventionGenetics, part of Exact Sciences
Classification: Uncertain significance for WDR81-related condition. Last evaluated: 2024-01-19. Review status: no assertion criteria provided. Collection method: clinical testing. Allele origin: germline.
Comment: The WDR81 c.1606G>A variant is predicted to result in the amino acid substitution p.Glu536Lys. To our knowledge, this variant has not been reported in the literature. This variant is reported in 0.0% of alleles in individuals of African descent in gnomAD. At this time, the clinical significance of this variant is uncertain due to the absence of conclusive functional and genetic evidence.